The following is an entry in ClinVar:

ClinVar aggregate classification (germline): Uncertain significance (1 of 4 stars; one submission).

Conditions:
Cardiomyopathy (CMYO). Also called: Cardiomyopathies. Identifiers: Orphanet 167848, MedGen C0878544, MONDO:0004994, HP:0001638. Inheritance: Various modes of inheritance.

Submission:

Color Diagnostics, LLC DBA Color Health
Classification: Uncertain significance for Cardiomyopathy. Last evaluated: 2025-06-03. Review status: criteria provided, single submitter. Criteria: ACMG Guidelines, 2015. Collection method: clinical testing. Allele origin: germline.
Comment: This missense variant replaces leucine with phenylalanine at codon 1008 of the DSG2 protein. Computational prediction suggests that this variant may not impact protein structure and function. To our knowledge, functional studies have not been reported for this variant. This variant has not been reported in individuals affected with DSG2-related disorders in the literature. This variant has not been identified in the general population by the Genome Aggregation Database (gnomAD). The available evidence is insufficient to determine the role of this variant in disease conclusively. Therefore, this variant is classified as a Variant of Uncertain Significance.

NM_001943.5(DSG2):c.3022C>T (p.Leu1008Phe)

Genes: DSG2 (desmoglein 2; plus strand), DSG2-AS1 (DSG2 antisense RNA 1; minus strand). Cytogenetic location: 18q12.1.
Variant type: single nucleotide variant.
Coding change: c.3022C>T on transcript NM_001943.5 (MANE Select); coding-DNA position 3022, C replaced by T.
Protein change: p.Leu1008Phe; replaces leucine 1008 with phenylalanine.
Molecular consequence: missense variant.
Genome position (GRCh38, 1-based): chr18:31,546,408, C>T. VCF-style: chr18-31546408-C-T. GRCh37 (hg19) VCF-style: chr18-29126371-C-T.
Other names: short protein forms L1008F.
Identifiers: ClinVar variation 4758709 (VCV004758709.1).